The following is an entry in ClinVar:

NM_001270601.2(ASCL5):c.274G>A (p.Glu92Lys)

Gene: ASCL5 (achaete-scute family bHLH transcription factor 5; minus strand). Cytogenetic location: 1q32.1.
Variant type: single nucleotide variant.
Coding change: c.274G>A on transcript NM_001270601.2 (MANE Select); coding-DNA position 274, G replaced by A.
Protein change: p.Glu92Lys; replaces glutamic acid 92 with lysine.
Molecular consequence: missense variant.
Genome position (GRCh38, 1-based): chr1:201,115,099, C>T on the plus strand (G>A on the coding strand, the complement: ASCL5 is on the minus strand). VCF-style: chr1-201115099-C-T. GRCh37 (hg19) VCF-style: chr1-201084227-C-T.
Other names: short protein forms E92K.
Identifiers: ClinVar variation 3358881 (VCV003358881.3).

ClinVar aggregate classification (germline): Likely pathogenic. Review status: criteria provided, single submitter (1 of 4 stars). 2 submissions from 2 submitters: Likely pathogenic (1). 1 of the submissions does not count toward it.

Conditions:
LOBODONTIA (LBDT). Identifiers: MedGen C1861275, OMIM 187000.

gnomAD v4.1: 3 of 1,231,804 alleles (0.00024%); highest among the groups gnomAD compares: Non-Finnish European, 0.0003%; no homozygotes.

Submissions (2):

Center of Excellence in Precision Medicine and Digital Health (CEPMDH), Faculty of Dentistry, Chulalongkorn University
Classification: Likely pathogenic for LOBODONTIA. Review status: criteria provided, single submitter. Criteria: ACMG Guidelines, 2015. Collection method: clinical testing. Allele origin: germline. Inheritance: Autosomal dominant inheritance. Affected: yes. Observed: 17 variant alleles, 17 heterozygotes. Clinical features observed: Supernumerary cusp (HP:0033777).
Comment: The ASCL5 c.274G>A variant was identified in lobodontia patients with autosomal dominant inheritance. This variant was segregated with the affected and not in the unaffected individuals from 6 unrelated families, suggesting the complete penetrance of the variant. It was absent in all the allele frequency databases and predicted to be damaging by various in silico prediction tools. In summary, it is classified as pathogenic based on ACMG guideline.

OMIM
Classification: Pathogenic for LOBODONTIA. Last evaluated: 2026-03-31. Review status: no assertion criteria provided. Collection method: literature only. Allele origin: germline. Not counted in ClinVar's aggregate classification.

Literature cited by the submitters: PubMed 41673016 (cited by Center of Excellence in Precision Medicine and Digital Health (CEPMDH), Faculty of Dentistry, Chulalongkorn University and OMIM).